The following is an entry in ClinVar:

ClinVar aggregate classification (germline): Uncertain significance (1 of 4 stars; one submission).

Conditions:
DYRK1A-related intellectual disability syndrome (MRD7). Also called: DYRK1A Syndrome; Intellectual developmental disorder, autosomal dominant 7. Identifiers: Orphanet 464306, MedGen C5568143, MONDO:0013578, OMIM 614104.

Submission:

Labcorp Genetics (formerly Invitae), Labcorp
Classification: Uncertain significance for DYRK1A-related intellectual disability syndrome. Last evaluated: 2022-11-15. Review status: criteria provided, single submitter. Criteria: Invitae Variant Classification Sherloc (09022015). Collection method: clinical testing. Allele origin: germline.
Comment: Advanced modeling of protein sequence and biophysical properties (such as structural, functional, and spatial information, amino acid conservation, physicochemical variation, residue mobility, and thermodynamic stability) performed at Invitae indicates that this missense variant is expected to disrupt DYRK1A protein function. In summary, the available evidence is currently insufficient to determine the role of this variant in disease. Therefore, it has been classified as a Variant of Uncertain Significance. This variant is not present in population databases (gnomAD no frequency). This sequence change replaces alanine, which is neutral and non-polar, with proline, which is neutral and non-polar, at codon 176 of the DYRK1A protein (p.Ala176Pro). This variant has not been reported in the literature in individuals affected with DYRK1A-related conditions.

NM_001347721.2(DYRK1A):c.499G>C (p.Ala167Pro)

Gene: DYRK1A (dual specificity tyrosine phosphorylation regulated kinase 1A; plus strand). Cytogenetic location: 21q22.13.
Variant type: single nucleotide variant.
Coding change: c.499G>C on transcript NM_001347721.2 (MANE Select); coding-DNA position 499, G replaced by C.
Protein change: p.Ala167Pro; replaces alanine 167 with proline.
Molecular consequence: missense variant.
Genome position (GRCh38, 1-based): chr21:37,486,476, G>C. VCF-style: chr21-37486476-G-C. GRCh37 (hg19) VCF-style: chr21-38858778-G-C.
Other names: c.499G>C, p.Ala167Pro (NM_001347722.2, NM_130436.2); c.412G>C, p.Ala138Pro (NM_001347723.2); c.526G>C, p.Ala176Pro (NM_001396.5, NM_101395.2, NM_130438.2); short protein forms A138P, A167P, A176P.
Identifiers: ClinVar variation 2109437 (VCV002109437.4), dbSNP rs2052870452, ClinGen allele CA409945544.